The following is an entry in ClinVar:

NM_001244008.2(KIF1A):c.4799T>G (p.Val1600Gly)

Gene: KIF1A (kinesin family member 1A; minus strand). Cytogenetic location: 2q37.3.
Variant type: single nucleotide variant.
Coding change: c.4799T>G on transcript NM_001244008.2 (MANE Select); coding-DNA position 4799, T replaced by G.
Protein change: p.Val1600Gly; replaces valine 1600 with glycine.
Molecular consequence: missense variant.
Genome position (GRCh38, 1-based): chr2:240,720,983, A>C on the plus strand (T>G on the coding strand, the complement: KIF1A is on the minus strand). VCF-style: chr2-240720983-A-C. GRCh37 (hg19) VCF-style: chr2-241660400-A-C.
Other names: c.4523T>G, p.Val1508Gly (NM_001320705.2, NM_001379649.1); c.4550T>G, p.Val1517Gly (NM_001330289.2); c.4598T>G, p.Val1533Gly (NM_001330290.2, NM_001379648.1); c.4874T>G, p.Val1625Gly (NM_001379631.1); c.4775T>G, p.Val1592Gly (NM_001379632.1); c.4772T>G, p.Val1591Gly (NM_001379633.1, NM_001379645.1); c.4625T>G, p.Val1542Gly (NM_001379634.1); c.4622T>G, p.Val1541Gly (NM_001379635.1, NM_001379646.1); and 7 more; short protein forms V1499G, V1541G, V1592G, V1600G, V1508G, V1516G, V1517G, V1542G.
Identifiers: ClinVar variation 4792088 (VCV004792088.1).

ClinVar aggregate classification (germline): Uncertain significance (1 of 4 stars; one submission).

Conditions:
Neuropathy, hereditary sensory, type 2C. Also called: KIF1A-Related HSAN2 (HSAN2C); Hereditary sensory and autonomic neuropathy type IIC. Identifiers: Orphanet 970, MedGen C3280168, MONDO:0013634, OMIM 614213.
Hereditary spastic paraplegia 30. Identifiers: Orphanet 101010, MedGen C5235139, MONDO:0012476.
Intellectual disability, autosomal dominant 9 (NESCAVS). Also called: KIF1A-Related Neurodevelopmental Disorder; NESCAV SYNDROME. Identifiers: Orphanet 662367, MedGen C5393830, MONDO:0013656, OMIM 614255.

Submission:

Labcorp Genetics (formerly Invitae), Labcorp
Classification: Uncertain significance for Hereditary spastic paraplegia 30; Neuropathy, hereditary sensory, type 2C; Intellectual disability, autosomal dominant 9. Last evaluated: 2025-11-24. Review status: criteria provided, single submitter. Criteria: Invitae Variant Classification Sherloc (09022015). Collection method: clinical testing. Allele origin: germline.
Comment: This sequence change replaces valine, which is neutral and non-polar, with glycine, which is neutral and non-polar, at codon 1499 of the KIF1A protein (p.Val1499Gly). This variant is not present in population databases (gnomAD no frequency). This variant has not been reported in the literature in individuals affected with KIF1A-related conditions. Invitae Evidence Modeling of protein sequence and biophysical properties (such as structural, functional, and spatial information, amino acid conservation, physicochemical variation, residue mobility, and thermodynamic stability) indicates that this missense variant is not expected to disrupt KIF1A protein function with a negative predictive value of 95%. In summary, the available evidence is currently insufficient to determine the role of this variant in disease. Therefore, it has been classified as a Variant of Uncertain Significance.